The following is an entry in ClinVar:

ClinVar aggregate classification (germline): Uncertain significance (1 of 4 stars; one submission).

Allele frequency attached by ClinVar (database versions not stated): gnomAD exomes below 0.00001.

Submission:

Labcorp Genetics (formerly Invitae), Labcorp
Classification: Uncertain significance. Last evaluated: 2022-04-20. Review status: criteria provided, single submitter. Criteria: Invitae Variant Classification Sherloc (09022015). Collection method: clinical testing. Allele origin: germline.
Comment: This variant is not present in population databases (gnomAD no frequency). This sequence change replaces glycine, which is neutral and non-polar, with valine, which is neutral and non-polar, at codon 751 of the TONSL protein (p.Gly751Val). This variant has not been reported in the literature in individuals affected with TONSL-related conditions. Algorithms developed to predict the effect of missense changes on protein structure and function output the following: SIFT: "Tolerated"; PolyPhen-2: "Benign"; Align-GVGD: "Class C0". The valine amino acid residue is found in multiple mammalian species, which suggests that this missense change does not adversely affect protein function. In summary, the available evidence is currently insufficient to determine the role of this variant in disease. Therefore, it has been classified as a Variant of Uncertain Significance.

NM_013432.5(TONSL):c.2252G>T (p.Gly751Val)

Genes: TONSL-AS1 (TONSL antisense RNA 1; plus strand), TONSL (tonsoku like, DNA repair protein; minus strand). Cytogenetic location: 8q24.3.
Variant type: single nucleotide variant.
Coding change: c.2252G>T on transcript NM_013432.5 (MANE Select); coding-DNA position 2252, G replaced by T.
Protein change: p.Gly751Val; replaces glycine 751 with valine.
Molecular consequence: missense variant.
Genome position (GRCh38, 1-based): chr8:144,436,181, C>A on the plus strand (G>T on the coding strand, the complement: TONSL is on the minus strand). VCF-style: chr8-144436181-C-A. GRCh37 (hg19) VCF-style: chr8-145661564-C-A.
Other names: short protein forms G751V.
Identifiers: ClinVar variation 2118993 (VCV002118993.4), dbSNP rs2537488916, ClinGen allele CA372656550.